The following is an entry in ClinVar:

ClinVar aggregate classification (germline): Likely benign. Review status: criteria provided, multiple submitters, no conflicts (2 of 4 stars). 2 submissions from 2 submitters: Likely benign (2). Last evaluated 2025-11-01.

Conditions:
Autosomal recessive limb-girdle muscular dystrophy type 2J (LGMDR10). Also called: Limb-girdle muscular dystrophy, type 2J; MUSCULAR DYSTROPHY, LIMB-GIRDLE, AUTOSOMAL RECESSIVE 10. Identifiers: Orphanet 140922, MedGen C1837342, MONDO:0012127, OMIM 608807.
Dilated cardiomyopathy 1G (CMD1G). Identifiers: Orphanet 154, MedGen C1858763, MONDO:0011400, OMIM 604145.

Allele frequency attached by ClinVar (database versions not stated): gnomAD exomes below 0.00001; TOPMed below 0.00001.
gnomAD v4.1: 7 of 1,609,594 alleles (0.00043%); highest among the groups gnomAD compares: Middle Eastern, 0.033%; no homozygotes.

Submissions (2):

CeGaT Center for Human Genetics Tuebingen
Classification: Likely benign. Last evaluated: 2025-11-01. Review status: criteria provided, single submitter. Criteria: CeGaT Center For Human Genetics Tuebingen Variant Classification Criteria Version 2. Collection method: clinical testing. Allele origin: germline. Affected: yes. Observed: 1 variant allele.
Comment: TTN: BP4, BP7

Labcorp Genetics (formerly Invitae), Labcorp
Classification: Likely benign for Dilated cardiomyopathy 1G; Autosomal recessive limb-girdle muscular dystrophy type 2J. Last evaluated: 2024-08-01. Review status: criteria provided, single submitter. Criteria: Invitae Variant Classification Sherloc (09022015). Collection method: clinical testing. Allele origin: germline.

NM_001267550.2(TTN):c.27919T>C (p.Leu9307=)

Gene: TTN (titin; minus strand). Cytogenetic location: 2q31.2.
Variant type: single nucleotide variant.
Coding change: c.27919T>C on transcript NM_001267550.2 (MANE Select); coding-DNA position 27919, T replaced by C.
Protein change: p.Leu9307=; no amino-acid change (leucine 9307 retained).
Molecular consequence: synonymous variant. On other transcripts: intron variant (3).
Genome position (GRCh38, 1-based): chr2:178,711,317, A>G on the plus strand (T>C on the coding strand, the complement: TTN is on the minus strand). VCF-style: chr2-178711317-A-G. GRCh37 (hg19) VCF-style: chr2-179576044-A-G.
Other names: c.26968T>C, p.Leu8990= (NM_001256850.1); c.24187T>C, p.Leu8063= (NM_133378.4); c.13282+26765T>C (NM_003319.4); c.13858+26765T>C (NM_133437.4); c.13657+26765T>C (NM_133432.3).
Identifiers: ClinVar variation 696354 (VCV000696354.14), dbSNP rs1482268373, ClinGen allele CA430284442.